The following is an entry in ClinVar:

ClinVar aggregate classification (germline): Likely benign (0 of 4 stars; one submission).

Conditions:
KCNJ12-related disorder. Also called: KCNJ12-related condition.

Submission:

PreventionGenetics, part of Exact Sciences
Classification: Likely benign for KCNJ12-related condition. Last evaluated: 2019-12-19. Review status: no assertion criteria provided. Collection method: clinical testing. Allele origin: germline.
Comment: This variant is classified as likely benign based on ACMG/AMP sequence variant interpretation guidelines (Richards et al. 2015 PMID: 25741868, with internal and published modifications).

NM_021012.5(KCNJ12):c.568C>A (p.Arg190=)

Gene: KCNJ12 (potassium inwardly rectifying channel subfamily J member 12; plus strand). Cytogenetic location: 17p11.2.
Variant type: single nucleotide variant.
Coding change: c.568C>A on transcript NM_021012.5 (MANE Select); coding-DNA position 568, C replaced by A.
Protein change: p.Arg190=; no amino-acid change (arginine 190 retained).
Molecular consequence: synonymous variant.
Genome position (GRCh38, 1-based): chr17:21,415,910, C>A. VCF-style: chr17-21415910-C-A. GRCh37 (hg19) VCF-style: chr17-21319222-C-A.
Identifiers: ClinVar variation 3048211 (VCV003048211.2), dbSNP rs145471133, ClinGen allele CA8451174.